The following is an entry in ClinVar:

NM_005732.4(RAD50):c.2719-3T>A

Gene: RAD50 (RAD50 double strand break repair protein; plus strand). Cytogenetic location: 5q31.1.
Variant type: single nucleotide variant.
Coding change: c.2719-3T>A on transcript NM_005732.4 (MANE Select); 3 bases into the intron before coding-DNA position 2719, T replaced by A.
Molecular consequence: intron variant.
Genome position (GRCh38, 1-based): chr5:132,608,612, T>A. VCF-style: chr5-132608612-T-A. GRCh37 (hg19) VCF-style: chr5-131944304-T-A.
Identifiers: ClinVar variation 570623 (VCV000570623.12), dbSNP rs1561647045, ClinGen allele CA891842969.

ClinVar aggregate classification (germline): Uncertain significance (1 of 4 stars; one submission).

Conditions:
Hereditary cancer-predisposing syndrome. Also called: Hereditary neoplastic syndrome; Tumor predisposition; Neoplastic Syndromes, Hereditary; Hereditary Cancer Syndrome. Identifiers: Orphanet 140162, MedGen C0027672, MeSH D009386, MONDO:0015356.

Submission:

Labcorp Genetics (formerly Invitae), Labcorp
Classification: Uncertain significance for Hereditary cancer-predisposing syndrome. Last evaluated: 2023-08-28. Review status: criteria provided, single submitter. Criteria: Invitae Variant Classification Sherloc (09022015). Collection method: clinical testing. Allele origin: germline.
Comment: This sequence change falls in intron 16 of the RAD50 gene. It does not directly change the encoded amino acid sequence of the RAD50 protein. It affects a nucleotide within the consensus splice site. This variant is not present in population databases (gnomAD no frequency). This variant has not been reported in the literature in individuals affected with RAD50-related conditions. ClinVar contains an entry for this variant (Variation ID: 570623). Variants that disrupt the consensus splice site are a relatively common cause of aberrant splicing (PMID: 17576681, 9536098). Algorithms developed to predict the effect of sequence changes on RNA splicing suggest that this variant is not likely to affect RNA splicing. In summary, the available evidence is currently insufficient to determine the role of this variant in disease. Therefore, it has been classified as a Variant of Uncertain Significance.

Literature cited by the submitters: PubMed 17576681; PubMed 9536098.